The following is an entry in ClinVar:

NM_001029896.2(WDR45):c.604del (p.Gln202fs)

Gene: WDR45 (WD repeat domain 45; minus strand). Cytogenetic location: Xp11.23.
Variant type: Deletion.
Coding change: c.604del on transcript NM_001029896.2 (MANE Select); coding-DNA position 604, one base deleted (C; older notation c.604delC).
Protein change: p.Gln202fs; shifts the reading frame from glutamine 202.
Molecular consequence: frameshift variant.
Genome position (GRCh38, 1-based): chrX:49,075,666, G deleted on the plus strand (C on the coding strand, the reverse complement: WDR45 is on the minus strand); the first of 2 consecutive G bases (chrX:49,075,666-49,075,667); deleting either gives the same sequence. VCF-style (leftmost placement, unchanged base first): chrX-49075665-TG-T. GRCh37 (hg19) VCF-style: chrX-48933324-TG-T.
Other names: c.607del, p.Gln203fs (NM_007075.4); short protein forms Q202fs, Q203fs.
Identifiers: ClinVar variation 1320133 (VCV001320133.1), dbSNP rs2147815446, ClinGen allele CA2573055347.

ClinVar aggregate classification (germline): Pathogenic (1 of 4 stars; one submission).

Conditions:
Neurodegeneration with brain iron accumulation 5 (NBIA5). Also called: STATIC ENCEPHALOPATHY OF CHILDHOOD WITH NEURODEGENERATION IN ADULTHOOD; Beta-propeller protein-associated neurodegeneration. Identifiers: Orphanet 329284, MedGen C3550973, MONDO:0010476, OMIM 300894.

Submission:

3billion
Classification: Pathogenic for Neurodegeneration with brain iron accumulation 5. Last evaluated: 2021-10-02. Review status: criteria provided, single submitter. Criteria: ACMG Guidelines, 2015. Collection method: clinical testing. Allele origin: germline. Affected: yes. Observed: 1 heterozygote.
Comment: Frameshift: predicted to result in a loss or disruption of normal protein function through nonsense-mediated decay (NMD) or protein truncation. Multiple pathogenic variants are reported downstream of the variant (PVS1_VS). It is not observed in the gnomAD v2.1.1 dataset (PM2). The variant was observed as assumed (i.e. paternity and maternity not confirmed) de novoo (3billion dataset, PM6). Therefore, this variant is classified as pathogenic according to the recommendation of ACMG/AMP guideline.